The following is an entry in ClinVar:

NM_001379200.1(TBX1):c.1096G>A (p.Asp366Asn)

Gene: TBX1 (T-box transcription factor 1; plus strand). Cytogenetic location: 22q11.21.
Variant type: single nucleotide variant.
Coding change: c.1096G>A on transcript NM_001379200.1 (MANE Select); coding-DNA position 1096, G replaced by A.
Protein change: p.Asp366Asn; replaces aspartic acid 366 with asparagine.
Molecular consequence: missense variant. On other transcripts: intron variant (2).
Genome position (GRCh38, 1-based): chr22:19,766,448, G>A. VCF-style: chr22-19766448-G-A. GRCh37 (hg19) VCF-style: chr22-19753971-G-A.
Other names: c.1069G>A, p.Asp357Asn (NM_080647.1); c.1009+446G>A (NM_005992.1, NM_080646.2); short protein forms D366N, D357N.
Identifiers: ClinVar variation 3019473 (VCV003019473.3), dbSNP rs957453306, ClinGen allele CA322058120.

ClinVar aggregate classification (germline): Uncertain significance (1 of 4 stars; one submission).

Conditions:
DiGeorge syndrome. Also called: Catch22; THIRD AND FOURTH PHARYNGEAL POUCH SYNDROME. Identifiers: Orphanet 567, MedGen C0012236, MONDO:0008564, OMIM 188400.

Allele frequency attached by ClinVar (database versions not stated): gnomAD 0.00001; TOPMed 0.00001.

Submission:

Labcorp Genetics (formerly Invitae), Labcorp
Classification: Uncertain significance for DiGeorge syndrome. Last evaluated: 2024-09-10. Review status: criteria provided, single submitter. Criteria: Invitae Variant Classification Sherloc (09022015). Collection method: clinical testing. Allele origin: germline.
Comment: This sequence change replaces aspartic acid, which is acidic and polar, with asparagine, which is neutral and polar, at codon 357 of the TBX1 protein (p.Asp357Asn). This variant is present in population databases (no rsID available, gnomAD 0.01%). This variant has not been reported in the literature in individuals affected with TBX1-related conditions. An algorithm developed to predict the effect of missense changes on protein structure and function (PolyPhen-2) suggests that this variant is likely to be tolerated. In summary, the available evidence is currently insufficient to determine the role of this variant in disease. Therefore, it has been classified as a Variant of Uncertain Significance.